The following is an entry in ClinVar:

NM_012301.4(MAGI2):c.276C>G (p.Pro92=)

Genes: MAGI2 (membrane associated guanylate kinase, WW and PDZ domain containing 2; minus strand), MAGI2-AS3 (MAGI2 antisense RNA 3; plus strand). Cytogenetic location: 7q21.11.
Variant type: single nucleotide variant.
Coding change: c.276C>G on transcript NM_012301.4 (MANE Select); coding-DNA position 276, C replaced by G.
Protein change: p.Pro92=; no amino-acid change (proline 92 retained).
Molecular consequence: synonymous variant. On other transcripts: non-coding transcript variant (2).
Genome position (GRCh38, 1-based): chr7:79,453,045, G>C on the plus strand (C>G on the coding strand, the complement: MAGI2 is on the minus strand). VCF-style: chr7-79453045-G-C. GRCh37 (hg19) VCF-style: chr7-79082361-G-C.
Other names: p.Pro92=; c.276C>G, p.Pro92= (NM_001301128.2).
Identifiers: ClinVar variation 95511 (VCV000095511.45), dbSNP rs146012909, ClinGen allele CA148577.

ClinVar aggregate classification (germline): Benign/Likely benign. Review status: criteria provided, multiple submitters, no conflicts (2 of 4 stars). 9 submissions from 9 submitters: Benign (5); Likely benign (3). 1 of the submissions does not count toward it. Last evaluated 2026-08-01.

Conditions:
MAGI2-related disorder. Also called: MAGI2-related condition.
Nephrotic syndrome 15. Identifiers: MedGen C4539896, MONDO:0033262, OMIM 617609.

Allele frequency attached by ClinVar (database versions not stated): gnomAD exomes 0.01062 and 0.00676; 1000 Genomes Project 0.00260; 1000 Genomes Project 30x 0.00265; TOPMed 0.00567; gnomAD 0.00596 and 0.00597; ESP Exome Variant Server 0.00761; ExAC 0.00784.

Submissions (9):

CeGaT Center for Human Genetics Tuebingen
Classification: Benign. Last evaluated: 2026-08-01. Review status: criteria provided, single submitter. Criteria: CeGaT Center For Human Genetics Tuebingen Variant Classification Criteria Version 2. Collection method: clinical testing. Allele origin: germline. Affected: yes. Observed: 4 variant alleles.
Comment: MAGI2: BP4, BP7, BS1, BS2

Labcorp Genetics (formerly Invitae), Labcorp
Classification: Benign. Last evaluated: 2026-01-18. Review status: criteria provided, single submitter. Criteria: Invitae Variant Classification Sherloc (09022015). Collection method: clinical testing. Allele origin: germline.

Mayo Clinic Laboratories, Mayo Clinic
Classification: Benign. Last evaluated: 2024-12-06. Review status: criteria provided, single submitter. Criteria: ACMG Guidelines, 2015. Collection method: clinical testing. Allele origin: germline. Observed: 1 variant allele.
Comment: BS1, BS2, BP4, BP7

Blueprint Genetics
Classification: Likely benign. Last evaluated: 2024-11-25. Review status: criteria provided, single submitter. Criteria: ACMG Guidelines, 2015. Collection method: clinical testing. Allele origin: germline.

Fulgent Genetics
Classification: Benign for Nephrotic syndrome 15. Last evaluated: 2021-08-22. Review status: criteria provided, single submitter. Criteria: ACMG Guidelines, 2015. Collection method: clinical testing. Allele origin: unknown.

GeneDx
Classification: Likely benign. Last evaluated: 2020-03-19. Review status: criteria provided, single submitter. Criteria: GeneDx Variant Classification Process June 2021. Collection method: clinical testing. Allele origin: germline. Affected: yes.

Athena Diagnostics
Classification: Likely benign. Last evaluated: 2018-01-26. Review status: criteria provided, single submitter. Criteria: Athena Diagnostics Criteria. Collection method: clinical testing. Allele origin: germline.

Eurofins Ntd Llc (ga)
Classification: Benign. Last evaluated: 2013-11-11. Review status: criteria provided, single submitter. Criteria: EGL Classification Definitions 2015. Collection method: clinical testing. Allele origin: germline. Observed: 1 variant allele, 1 heterozygote.

PreventionGenetics, part of Exact Sciences
Classification: Benign for MAGI2-related condition. Last evaluated: 2019-03-05. Review status: no assertion criteria provided. Collection method: clinical testing. Allele origin: germline. Not counted in ClinVar's aggregate classification.
Comment: This variant is classified as benign based on ACMG/AMP sequence variant interpretation guidelines (Richards et al. 2015 PMID: 25741868, with internal and published modifications).